The following is an entry in ClinVar:

NM_004615.4(TSPAN7):c.441C>T (p.Ser147=)

Gene: TSPAN7 (tetraspanin 7; plus strand). Cytogenetic location: Xp11.4.
Variant type: single nucleotide variant.
Coding change: c.441C>T on transcript NM_004615.4 (MANE Select); coding-DNA position 441, C replaced by T.
Protein change: p.Ser147=; no amino-acid change (serine 147 retained).
Molecular consequence: synonymous variant.
Genome position (GRCh38, 1-based): chrX:38,674,316, C>T. VCF-style: chrX-38674316-C-T. GRCh37 (hg19) VCF-style: chrX-38533570-C-T.
Identifiers: ClinVar variation 130645 (VCV000130645.11), dbSNP rs111440990, ClinGen allele CA155834.

ClinVar aggregate classification (germline): Benign. Review status: criteria provided, multiple submitters, no conflicts (2 of 4 stars). 3 submissions from 3 submitters: Benign (2). 1 of the submissions does not count toward it. Last evaluated 2015-10-12.

Allele frequency attached by ClinVar (database versions not stated): gnomAD exomes 0.00427 and 0.00985; ExAC 0.02146; gnomAD 0.03414 and 0.03616; 1000 Genomes Project 0.03444; 1000 Genomes Project 30x 0.03642; ESP Exome Variant Server 0.03904; TOPMed 0.03959.
gnomAD v4.1: 8,647 of 1,180,950 alleles (0.73%); highest among the groups gnomAD compares: African/African-American, 12%; 294 homozygotes.

Submissions (3):

Ambry Genetics
Classification: Benign. Last evaluated: 2015-10-12. Review status: criteria provided, single submitter. Criteria: Ambry Variant Classification Scheme 2023. Collection method: clinical testing. Allele origin: germline.

Breakthrough Genomics
Classification: Benign. Review status: criteria provided, single submitter. Criteria: ACMG Guidelines, 2015. Collection method: not provided. Allele origin: germline. Inheritance: X-linked inheritance. Affected: yes.

Genetic Services Laboratory, University of Chicago
Classification: Likely benign for AllHighlyPenetrant. Review status: no assertion criteria provided. Collection method: clinical testing. Allele origin: germline. Inheritance: X-linked inheritance. Not counted in ClinVar's aggregate classification.
Comment: Likely benign based on allele frequency in 1000 Genomes Project or ESP global frequency and its presence in a patient with a rare or unrelated disease phenotype. NOT Sanger confirmed.